The following is an entry in ClinVar:

NM_001378452.1(ITPR1):c.66G>A (p.Ser22=)

Gene: ITPR1 (inositol 1,4,5-trisphosphate receptor type 1; plus strand). Cytogenetic location: 3p26.1.
Variant type: single nucleotide variant.
Coding change: c.66G>A on transcript NM_001378452.1 (MANE Select); coding-DNA position 66, G replaced by A.
Protein change: p.Ser22=; no amino-acid change (serine 22 retained).
Molecular consequence: synonymous variant.
Genome position (GRCh38, 1-based): chr3:4,516,557, G>A. VCF-style: chr3-4516557-G-A. GRCh37 (hg19) VCF-style: chr3-4558241-G-A.
Other names: p.Ser22=; c.66G>A, p.Ser22= (NM_001099952.4, NM_001168272.2, NM_002222.7); c.66G>A (NM_002222.6).
Identifiers: ClinVar variation 345339 (VCV000345339.59), dbSNP rs112944532, ClinGen allele CA2230785.
Genomic context (GRCh38, chr3:4,516,557, plus strand): 5'-TGACAAAATGTCTAGCTTCCTACATATTGGAGACATTTGTTCTCTGTACGCGGAGGGATC[G>A]ACAAATGGATTTATTAGCACCTTGGGGTAAGAGCATGCAATTTCTTGTGTGGCACGGTTT-3'
Protein context (NP_001365381.1, residues 12-32): GDICSLYAEG[Ser22=]TNGFISTLGL

ClinVar aggregate classification (germline): Benign/Likely benign. Review status: criteria provided, multiple submitters, no conflicts (2 of 4 stars). 8 submissions from 8 submitters: Benign (1); Likely benign (6). 1 of the submissions does not count toward it. Last evaluated 2026-06-01.

Conditions:
ITPR1-related disorder. Also called: ITPR1-related condition.
Autosomal dominant cerebellar ataxia. Also called: Spinocerebellar Ataxia, Dominant. Identifiers: Orphanet 99, MedGen C4087347, MONDO:0020380.

Allele frequency attached by ClinVar (database versions not stated): ESP Exome Variant Server 0.00025; TOPMed 0.00038; gnomAD 0.00045 and 0.00048.
gnomAD v4.1: 856 of 1,603,558 alleles (0.053%); highest among the groups gnomAD compares: Non-Finnish European, 0.066%; 2 homozygotes.

Submissions (8):

CeGaT Center for Human Genetics Tuebingen
Classification: Likely benign. Last evaluated: 2026-06-01. Review status: criteria provided, single submitter. Criteria: CeGaT Center For Human Genetics Tuebingen Variant Classification Criteria Version 2. Collection method: clinical testing. Allele origin: germline. Affected: yes. Observed: 9 variant alleles.
Comment: ITPR1: BP4, BP7

Labcorp Genetics (formerly Invitae), Labcorp
Classification: Likely benign. Last evaluated: 2026-01-31. Review status: criteria provided, single submitter. Criteria: Invitae Variant Classification Sherloc (09022015). Collection method: clinical testing. Allele origin: germline.

Mayo Clinic Laboratories, Mayo Clinic
Classification: Likely benign. Last evaluated: 2025-10-08. Review status: criteria provided, single submitter. Criteria: ACMG Guidelines, 2015. Collection method: clinical testing. Allele origin: germline. Observed: 1 variant allele.
Comment: BP4, BP7

Blueprint Genetics
Classification: Likely benign. Last evaluated: 2024-11-26. Review status: criteria provided, single submitter. Criteria: ACMG Guidelines, 2015. Collection method: clinical testing. Allele origin: germline.

Athena Diagnostics
Classification: Benign. Last evaluated: 2024-03-29. Review status: criteria provided, single submitter. Criteria: Athena Diagnostics Criteria. Collection method: clinical testing. Allele origin: unknown.

GeneDx
Classification: Likely benign. Last evaluated: 2023-08-22. Review status: criteria provided, single submitter. Criteria: GeneDx Variant Classification Process June 2021. Collection method: clinical testing. Allele origin: germline. Affected: yes.
Comment: See Variant Classification Assertion Criteria.

Illumina Laboratory Services, Illumina
Classification: Likely benign for Spinocerebellar Ataxia, Dominant. Last evaluated: 2018-01-13. Review status: criteria provided, single submitter. Criteria: ICSL Variant Classification Criteria 13 December 2019. Collection method: clinical testing. Allele origin: germline.
Comment: This variant was observed in the ICSL laboratory as part of a predisposition screen in an ostensibly healthy population. It had not been previously curated by ICSL or reported in the Human Gene Mutation Database (HGMD: prior to June 1st, 2018), and was therefore a candidate for classification through an automated scoring system. Utilizing variant allele frequency, disease prevalence and penetrance estimates, and inheritance mode, an automated score was calculated to assess if this variant is too frequent to cause the disease. Based on the score and internal cut-off values, a variant classified as likely benign is not then subjected to further curation. The score for this variant resulted in a classification of likely benign for this disease.

PreventionGenetics, part of Exact Sciences
Classification: Likely benign for ITPR1-related condition. Last evaluated: 2023-12-26. Review status: no assertion criteria provided. Collection method: clinical testing. Allele origin: germline. Not counted in ClinVar's aggregate classification.
Comment: This variant is classified as likely benign based on ACMG/AMP sequence variant interpretation guidelines (Richards et al. 2015 PMID: 25741868, with internal and published modifications).

Literature cited by the submitters: PubMed 28404951 (cited by Athena Diagnostics).